The following is an entry in ClinVar:

NM_031407.7(HUWE1):c.7808G>A (p.Arg2603Gln)

Gene: HUWE1 (HECT, UBA and WWE domain containing E3 ubiquitin protein ligase 1; minus strand). Cytogenetic location: Xp11.22.
Variant type: single nucleotide variant.
Coding change: c.7808G>A on transcript NM_031407.7 (MANE Select); coding-DNA position 7808, G replaced by A.
Protein change: p.Arg2603Gln; replaces arginine 2603 with glutamine.
Molecular consequence: missense variant.
Genome position (GRCh38, 1-based): chrX:53,559,461, C>T on the plus strand (G>A on the coding strand, the complement: HUWE1 is on the minus strand). VCF-style: chrX-53559461-C-T. GRCh37 (hg19) VCF-style: chrX-53586422-C-T.
Other names: short protein forms R2603Q.
Identifiers: ClinVar variation 3608737 (VCV003608737.2).

ClinVar aggregate classification (germline): Uncertain significance (1 of 4 stars; one submission).

gnomAD v4.1: 3 of 1,210,912 alleles (0.00025%); highest among the groups gnomAD compares: Non-Finnish European, 0.00034%; no homozygotes.

Submission:

Labcorp Genetics (formerly Invitae), Labcorp
Classification: Uncertain significance. Last evaluated: 2025-10-13. Review status: criteria provided, single submitter. Criteria: Invitae Variant Classification Sherloc (09022015). Collection method: clinical testing. Allele origin: germline.
Comment: This sequence change replaces arginine, which is basic and polar, with glutamine, which is neutral and polar, at codon 2603 of the HUWE1 protein (p.Arg2603Gln). This variant is not present in population databases (gnomAD no frequency). This variant has not been reported in the literature in individuals affected with HUWE1-related conditions. ClinVar contains an entry for this variant (Variation ID: 3608737). Invitae Evidence Modeling of protein sequence and biophysical properties (such as structural, functional, and spatial information, amino acid conservation, physicochemical variation, residue mobility, and thermodynamic stability) has been performed for this missense variant. However, the output from this modeling did not meet the statistical confidence thresholds required to predict the impact of this variant on HUWE1 protein function. In summary, the available evidence is currently insufficient to determine the role of this variant in disease. Therefore, it has been classified as a Variant of Uncertain Significance.